The following is an entry in ClinVar:

ClinVar aggregate classification (germline): Uncertain significance (1 of 4 stars; one submission).

Allele frequency attached by ClinVar (database versions not stated): ExAC 0.00002; gnomAD 0.00001; TOPMed 0.00001.
gnomAD v4.1: 35 of 1,613,236 alleles (0.0022%); highest among the groups gnomAD compares: South Asian, 0.0033%; 1 homozygote.

Submission:

GeneDx
Classification: Uncertain significance. Last evaluated: 2016-08-31. Review status: criteria provided, single submitter. Criteria: GeneDx Variant Classification (06012015). Collection method: clinical testing. Allele origin: germline. Affected: yes.
Comment: A variant of uncertain significance has been identified in the ATP2A1 gene. The c.2862 G>A variant has not been published as a pathogenic variant, nor has it been reported as a benign variant to our knowledge. The c.2862 G>A variant was not observed in approximately 6,500 individuals of European and African American ancestry in the NHLBI Exome Sequencing Project, indicating it is not a common benign variant in these populations. This substitution occurs at a position that is not conserved. Several in-silico splice prediction models predict that c.2862 G>A may destroy the natural donor site of intron 20 and lead to abnormal gene splicing. However, in the absence of RNA/functional studies, the actual effect of this sequence change in this individual is unknown. Therefore, based on the currently available information, it is unclear whether this variant is a pathogenic variant or a rare benign variant.

NM_004320.6(ATP2A1):c.2862G>A (p.Pro954=)

Gene: ATP2A1 (ATPase sarcoplasmic/endoplasmic reticulum Ca2+ transporting 1; plus strand). Cytogenetic location: 16p11.2.
Variant type: single nucleotide variant.
Coding change: c.2862G>A on transcript NM_004320.6 (MANE Select); coding-DNA position 2862, G replaced by A.
Protein change: p.Pro954=; no amino-acid change (proline 954 retained).
Molecular consequence: synonymous variant.
Genome position (GRCh38, 1-based): chr16:28,903,147, G>A. VCF-style: chr16-28903147-G-A. GRCh37 (hg19) VCF-style: chr16-28914468-G-A.
Other names: c.2487G>A, p.Pro829= (NM_001286075.2); c.2862G>A, p.Pro954= (NM_173201.5).
Identifiers: ClinVar variation 388944 (VCV000388944.2), dbSNP rs751717647, ClinGen allele CA7987417.